The following is an entry in ClinVar:

ClinVar aggregate classification (germline): Likely benign (1 of 4 stars; one submission).

Submission:

CeGaT Center for Human Genetics Tuebingen
Classification: Likely benign. Last evaluated: 2026-07-01. Review status: criteria provided, single submitter. Criteria: CeGaT Center For Human Genetics Tuebingen Variant Classification Criteria Version 2. Collection method: clinical testing. Allele origin: germline. Affected: yes. Observed: 1 variant allele.
Comment: FBN1: PM2:Supporting, BP4, BP7

NM_000138.5(FBN1):c.3543C>T (p.Ala1181=)

Gene: FBN1 (fibrillin 1; minus strand). Cytogenetic location: 15q21.1.
Variant type: single nucleotide variant.
Coding change: c.3543C>T on transcript NM_000138.5 (MANE Select); coding-DNA position 3543, C replaced by T.
Protein change: p.Ala1181=; no amino-acid change (alanine 1181 retained).
Molecular consequence: synonymous variant.
Genome position (GRCh38, 1-based): chr15:48,487,121, G>A on the plus strand (C>T on the coding strand, the complement: FBN1 is on the minus strand). VCF-style: chr15-48487121-G-A. GRCh37 (hg19) VCF-style: chr15-48779318-G-A.
Other names: c.3543C>T, p.Ala1181= (NM_001406716.1).
Identifiers: ClinVar variation 5039975 (VCV005039975.1).